The following is an entry in ClinVar:

ClinVar aggregate classification (germline): Benign/Likely benign. Review status: criteria provided, multiple submitters, no conflicts (2 of 4 stars). 11 submissions from 8 submitters: Benign (6); Likely benign (5). Last evaluated 2026-01-21.

Conditions:
Autosomal recessive limb-girdle muscular dystrophy type 2J (LGMDR10). Also called: Limb-girdle muscular dystrophy, type 2J; MUSCULAR DYSTROPHY, LIMB-GIRDLE, AUTOSOMAL RECESSIVE 10. Identifiers: Orphanet 140922, MedGen C1837342, MONDO:0012127, OMIM 608807.
Dilated cardiomyopathy 1G (CMD1G). Identifiers: Orphanet 154, MedGen C1858763, MONDO:0011400, OMIM 604145.
Early-onset myopathy with fatal cardiomyopathy (CMYO5). Also called: CONGENITAL MYOPATHY 5 WITH CARDIOMYOPATHY; Salih Myopathy. Identifiers: Orphanet 289377, MedGen C2673677, MONDO:0012714, OMIM 611705. Disease mechanism: loss of function.
Tibial muscular dystrophy (TMD). Also called: Udd Distal Myopathy – Tibial Muscular Dystrophy; Tibial muscular dystrophy, tardive; UDD MYOPATHY. Identifiers: Orphanet 609, MedGen C1838244, MONDO:0010870, OMIM 600334.
Myopathy, myofibrillar, 9, with early respiratory failure (MFM9). Also called: Hereditary myopathy with early respiratory failure; EDSTROM MYOPATHY; Myopathy, distal, with early respiratory failure, autosomal dominant; MYOPATHY, PROXIMAL, WITH EARLY RESPIRATORY MUSCLE INVOLVEMENT. Identifiers: Orphanet 178464, Orphanet 34521, MedGen C1863599, MONDO:0011362, OMIM 603689.

Allele frequency attached by ClinVar (database versions not stated): TOPMed 0.00007; gnomAD exomes 0.00010 and 0.00023; gnomAD 0.00012 and 0.00017; ExAC 0.00024; 1000 Genomes Project 30x 0.00078; 1000 Genomes Project 0.00080.
gnomAD v4.1: 169 of 1,611,674 alleles (0.01%); highest among the groups gnomAD compares: East Asian, 0.11%; no homozygotes.

Submissions (11):

Labcorp Genetics (formerly Invitae), Labcorp
Classification: Likely benign for Dilated cardiomyopathy 1G; Autosomal recessive limb-girdle muscular dystrophy type 2J. Last evaluated: 2026-01-21. Review status: criteria provided, single submitter. Criteria: Invitae Variant Classification Sherloc (09022015). Collection method: clinical testing. Allele origin: germline.

Blueprint Genetics
Classification: Likely benign. Last evaluated: 2024-10-23. Review status: criteria provided, single submitter. Criteria: ACMG Guidelines, 2015. Collection method: clinical testing. Allele origin: germline.

Genome-Nilou Lab
Classification: Benign for Autosomal recessive limb-girdle muscular dystrophy type 2J. Last evaluated: 2021-09-10. Review status: criteria provided, single submitter. Criteria: ACMG Guidelines, 2015. Collection method: clinical testing. Allele origin: germline. Affected: no.

Genome-Nilou Lab
Classification: Benign for Myopathy, myofibrillar, 9, with early respiratory failure. Last evaluated: 2021-09-10. Review status: criteria provided, single submitter. Criteria: ACMG Guidelines, 2015. Collection method: clinical testing. Allele origin: germline. Affected: no.

Genome-Nilou Lab
Classification: Benign for Early-onset myopathy with fatal cardiomyopathy. Last evaluated: 2021-09-10. Review status: criteria provided, single submitter. Criteria: ACMG Guidelines, 2015. Collection method: clinical testing. Allele origin: germline. Affected: no.

Genome-Nilou Lab
Classification: Benign for Tibial muscular dystrophy. Last evaluated: 2021-09-10. Review status: criteria provided, single submitter. Criteria: ACMG Guidelines, 2015. Collection method: clinical testing. Allele origin: germline. Affected: no.

Women's Health and Genetics/Laboratory Corporation of America, LabCorp
Classification: Benign. Last evaluated: 2021-08-30. Review status: criteria provided, single submitter. Criteria: LabCorp Variant Classification Summary - May 2015. Collection method: clinical testing. Allele origin: germline.
Comment: Variant summary: TTN c.20773+13C>T alters a non-conserved nucleotide located close to a canonical splice site and therefore could affect mRNA splicing, leading to a significantly altered protein sequence. 4/4 computational tools predict no significant impact on normal splicing. However, these predictions have yet to be confirmed by functional studies. The variant allele was found at a frequency of 0.00023 in 247558 control chromosomes, predominantly at a frequency of 0.0017 within the East Asian subpopulation in the gnomAD database. The observed variant frequency within East Asian control individuals in the gnomAD database is approximately 4.35 fold of the estimated maximal expected allele frequency for a pathogenic variant in TTN causing Dilated Cardiomyopathy phenotype (0.00039), strongly suggesting that the variant is a benign polymorphism found primarily in populations of East Asian origin. To our knowledge, no occurrence of c.20773+13C>T in individuals affected with Dilated Cardiomyopathy and no experimental evidence demonstrating its impact on protein function have been reported. Two clinical diagnostic laboratories have submitted clinical-significance assessments for this variant to ClinVar after 2014 without evidence for independent evaluation. All laboratories classified the variant as benign/likely benign. Based on the evidence outlined above, the variant was classified as benign.

GeneDx
Classification: Benign. Last evaluated: 2017-03-09. Review status: criteria provided, single submitter. Criteria: GeneDx Variant Classification (06012015). Collection method: clinical testing. Allele origin: germline. Affected: yes.
Comment: This variant is considered likely benign or benign based on one or more of the following criteria: it is a conservative change, it occurs at a poorly conserved position in the protein, it is predicted to be benign by multiple in silico algorithms, and/or has population frequency not consistent with disease.

Laboratory for Molecular Medicine, Mass General Brigham Personalized Medicine
Classification: Likely benign. Last evaluated: 2015-10-01. Review status: criteria provided, single submitter. Criteria: LMM Criteria. Collection method: clinical testing. Allele origin: germline. Observed: 1 variant allele.
Comment: c.20773+13C>T in intron 81 of TTN: This variant is not expected to have clinica l significance because a C>T change at this position does not diverge from the s plice consensus sequence and is therefore unlikely to impact splicing. It has be en identified in 0.2% (15/8606) of East Asian chromosomes by the Exome Aggregati on Consortium (ExAC; dbSNP rs534803807).

Breakthrough Genomics
Classification: Likely benign. Review status: criteria provided, single submitter. Criteria: ACMG Guidelines, 2015. Collection method: not provided. Allele origin: germline. Inheritance: Autosomal recessive inheritance. Affected: yes.

PreventionGenetics, part of Exact Sciences
Classification: Likely benign. Review status: criteria provided, single submitter. Criteria: ACMG Guidelines, 2015. Collection method: clinical testing. Allele origin: germline.

NM_001267550.2(TTN):c.24505+13C>T

Gene: TTN (titin; minus strand). Cytogenetic location: 2q31.2.
Variant type: single nucleotide variant.
Coding change: c.24505+13C>T on transcript NM_001267550.2 (MANE Select); 13 bases into the intron after coding-DNA position 24505, C replaced by T.
Molecular consequence: intron variant.
Genome position (GRCh38, 1-based): chr2:178,718,682, G>A on the plus strand (C>T on the coding strand, the complement: TTN is on the minus strand). VCF-style: chr2-178718682-G-A. GRCh37 (hg19) VCF-style: chr2-179583409-G-A.
Other names: c.13282+19400C>T (NM_003319.4); c.13858+19400C>T (NM_133437.4); c.13657+19400C>T (NM_133432.3); c.20773+13C>T (NM_133378.4); c.23554+13C>T (NM_001256850.1).
Identifiers: ClinVar variation 228071 (VCV000228071.19), dbSNP rs534803807, ClinGen allele CA2000421.